The following is an entry in ClinVar:

NM_003060.4(SLC22A5):c.517del (p.Leu173fs)

Gene: SLC22A5 (solute carrier family 22 member 5; plus strand). Cytogenetic location: 5q31.1.
Variant type: Deletion.
Coding change: c.517del on transcript NM_003060.4 (MANE Select); coding-DNA position 517, one base deleted (C; older notation c.517delC).
Protein change: p.Leu173fs; shifts the reading frame from leucine 173.
Molecular consequence: frameshift variant.
Genome position (GRCh38, 1-based): chr5:132,384,166, C deleted. VCF-style (leftmost placement, unchanged base first): chr5-132384165-GC-G. GRCh37 (hg19) VCF-style: chr5-131719857-GC-G.
Other names: c.589del, p.Leu197fs (NM_001308122.2); short protein forms L173fs, L197fs.
Identifiers: ClinVar variation 2678790 (VCV002678790.4), dbSNP rs2532117208, ClinGen allele CA2604424925.

ClinVar aggregate classification (germline): Pathogenic. Review status: criteria provided, multiple submitters, no conflicts (2 of 4 stars). 2 submissions from 2 submitters: Pathogenic (2). Last evaluated 2023-10-30.

Conditions:
Renal carnitine transport defect (CDSP). Also called: Carnitine Deficiency, Systemic; Systemic primary carnitine deficiency; Carnitine transporter deficiency; Primary carnitine deficiency; Systemic primary carnitine deficiency disease; CARNITINE DEFICIENCY, SYSTEMIC, DUE TO DEFECT IN RENAL REABSORPTION OF CARNITINE. Identifiers: Orphanet 158, MedGen C0342788, MONDO:0008919, OMIM 212140.

Allele frequency attached by ClinVar (database versions not stated): gnomAD 0.00001.

Submissions (2):

Labcorp Genetics (formerly Invitae), Labcorp
Classification: Pathogenic for Renal carnitine transport defect. Last evaluated: 2023-10-30. Review status: criteria provided, single submitter. Criteria: Invitae Variant Classification Sherloc (09022015). Collection method: clinical testing. Allele origin: germline.
Comment: This sequence change creates a premature translational stop signal (p.Leu173Cysfs*3) in the SLC22A5 gene. It is expected to result in an absent or disrupted protein product. Loss-of-function variants in SLC22A5 are known to be pathogenic (PMID: 9916797). This variant is not present in population databases (gnomAD no frequency). This premature translational stop signal has been observed in individual(s) with systemic primary carnitine deficiency (PMID: 25132046). For these reasons, this variant has been classified as Pathogenic.

Baylor Genetics
Classification: Pathogenic for Renal carnitine transport defect. Last evaluated: 2023-08-12. Review status: criteria provided, single submitter. Criteria: ACMG Guidelines, 2015. Collection method: clinical testing. Allele origin: unknown.

Literature cited by the submitters: PubMed 9916797 (cited by Labcorp Genetics (formerly Invitae), Labcorp); PubMed 25132046 (cited by Labcorp Genetics (formerly Invitae), Labcorp).